The following is an entry in ClinVar:

ClinVar aggregate classification (germline): Conflicting classifications of pathogenicity. Review status: criteria provided, conflicting classifications (1 of 4 stars). 2 submissions from 2 submitters: Uncertain significance (1); Benign (1). Last evaluated 2025-09-23.

Conditions:
Ehlers-Danlos syndrome, classic type, 1 (EDSCL1). Also called: EHLERS-DANLOS SYNDROME, GRAVIS TYPE; EHLERS-DANLOS SYNDROME, SEVERE CLASSIC TYPE; EDS I; Ehlers-Danlos Syndrome, Classic Type, COL5A1-Related; Ehlers-Danlos syndrome, type 1. Identifiers: MedGen C0268335, MONDO:0019567, OMIM 130000.

Allele frequency attached by ClinVar (database versions not stated): gnomAD 0.00001 and 0.00002; gnomAD exomes 0.00001; 1000 Genomes Project 30x 0.00031; TOPMed 0.00001; ExAC 0.00001; 1000 Genomes Project 0.00020.
gnomAD v4.1: 9 of 1,610,572 alleles (0.00056%); highest among the groups gnomAD compares: African/African-American, 0.0027%; no homozygotes.

Submissions (2):

Labcorp Genetics (formerly Invitae), Labcorp
Classification: Benign for Ehlers-Danlos syndrome, classic type, 1. Last evaluated: 2025-09-23. Review status: criteria provided, single submitter. Criteria: Invitae Variant Classification Sherloc (09022015). Collection method: clinical testing. Allele origin: germline.

GeneDx
Classification: Uncertain significance. Last evaluated: 2023-03-14. Review status: criteria provided, single submitter. Criteria: GeneDx Variant Classification Process June 2021. Collection method: clinical testing. Allele origin: germline. Affected: yes.
Comment: Not observed at significant frequency in large population cohorts (gnomAD); In silico analysis supports that this missense variant has a deleterious effect on protein structure/function; Has not been previously published as pathogenic or benign to our knowledge; Occurs in the triple helical domain at the X position in the canonical Gly-X-Y repeat; although this variant may have an effect on normal protein folding and function, missense substitution at the X position is not a common mechanism of disease (Symoens et al., 2012; HGMD); This variant is associated with the following publications: (PMID: 22696272)

NM_000093.5(COL5A1):c.3064C>T (p.Pro1022Ser)

Gene: COL5A1 (collagen type V alpha 1 chain; plus strand). Cytogenetic location: 9q34.3.
Variant type: single nucleotide variant.
Coding change: c.3064C>T on transcript NM_000093.5 (MANE Select); coding-DNA position 3064, C replaced by T.
Protein change: p.Pro1022Ser; replaces proline 1022 with serine.
Molecular consequence: missense variant.
Genome position (GRCh38, 1-based): chr9:134,802,945, C>T. VCF-style: chr9-134802945-C-T. GRCh37 (hg19) VCF-style: chr9-137694791-C-T.
Other names: c.3064C>T, p.Pro1022Ser (NM_001278074.1); c.3064C>T (NM_000093.3); short protein forms P1022S.
Identifiers: ClinVar variation 1062532 (VCV001062532.11), dbSNP rs536758248, ClinGen allele CA5319744.